The following is an entry in ClinVar:

ClinVar aggregate classification (germline): Uncertain significance. Review status: criteria provided, multiple submitters, no conflicts (2 of 4 stars). 2 submissions from 2 submitters: Uncertain significance (2). Last evaluated 2025-10-23.

Conditions:
Hereditary cancer-predisposing syndrome. Also called: Hereditary Cancer Syndrome; Hereditary neoplastic syndrome; Tumor predisposition; Neoplastic Syndromes, Hereditary. Identifiers: Orphanet 140162, MedGen C0027672, MeSH D009386, MONDO:0015356.

Submissions (2):

Ambry Genetics
Classification: Uncertain significance for Hereditary cancer-predisposing syndrome. Last evaluated: 2025-10-23. Review status: criteria provided, single submitter. Criteria: Ambry Variant Classification Scheme 2023. Collection method: clinical testing. Allele origin: germline.
Comment: The p.V15M variant (also known as c.43G>A), located in coding exon 1 of the SMARCB1 gene, results from a G to A substitution at nucleotide position 43. The valine at codon 15 is replaced by methionine, an amino acid with highly similar properties. This amino acid position is conserved. In addition, the in silico prediction for this alteration is inconclusive. Based on the available evidence, the clinical significance of this variant remains unclear.

Labcorp Genetics (formerly Invitae), Labcorp
Classification: Uncertain significance. Last evaluated: 2023-09-03. Review status: criteria provided, single submitter. Criteria: Invitae Variant Classification Sherloc (09022015). Collection method: clinical testing. Allele origin: germline.
Comment: This variant has not been reported in the literature in individuals affected with SMARCB1-related conditions. In summary, the available evidence is currently insufficient to determine the role of this variant in disease. Therefore, it has been classified as a Variant of Uncertain Significance. An algorithm developed to predict the effect of missense changes on protein structure and function (PolyPhen-2) suggests that this variant is likely to be tolerated. This variant is not present in population databases (gnomAD no frequency). This sequence change replaces valine, which is neutral and non-polar, with methionine, which is neutral and non-polar, at codon 15 of the SMARCB1 protein (p.Val15Met).

NM_003073.5(SMARCB1):c.43G>A (p.Val15Met)

Gene: SMARCB1 (SWI/SNF related BAF chromatin remodeling complex subunit B1; plus strand). Cytogenetic location: 22q11.23.
Variant type: single nucleotide variant.
Coding change: c.43G>A on transcript NM_003073.5 (MANE Select); coding-DNA position 43, G replaced by A.
Protein change: p.Val15Met; replaces valine 15 with methionine.
Molecular consequence: missense variant.
Genome position (GRCh38, 1-based): chr22:23,787,212, G>A. VCF-style: chr22-23787212-G-A. GRCh37 (hg19) VCF-style: chr22-24129399-G-A.
Other names: c.43G>A, p.Val15Met (NM_001007468.3, NM_001317946.2, NM_001362877.2); short protein forms V15M.
Identifiers: ClinVar variation 2882485 (VCV002882485.4), dbSNP rs1379787699, ClinGen allele CA410930655.